The following is an entry in ClinVar:

ClinVar aggregate classification (germline): Uncertain significance. Review status: criteria provided, multiple submitters, no conflicts (2 of 4 stars). 2 submissions from 2 submitters: Uncertain significance (2). Last evaluated 2024-09-12.

Conditions:
Epidermolysis bullosa simplex with nail dystrophy (EBS5D). Identifiers: MedGen C4225309, MONDO:0014661, OMIM 616487.
Epidermolysis bullosa simplex, Ogna type (EBS5A). Also called: EPIDERMOLYSIS BULLOSA SIMPLEX 5A, OGNA TYPE; Pidermolysis bullosa simplex 5A, Ogna type. Identifiers: Orphanet 79401, MedGen C0432317, MONDO:0007555, OMIM 131950.
Autosomal recessive limb-girdle muscular dystrophy type 2Q (LGMDR17). Also called: MUSCULAR DYSTROPHY, LIMB-GIRDLE, AUTOSOMAL RECESSIVE 17. Identifiers: Orphanet 254361, MedGen C3150989, MONDO:0013390, OMIM 613723.
Epidermolysis bullosa simplex 5B, with muscular dystrophy (EBS5B). Also called: EPIDERMOLYSIS BULLOSA SIMPLEX AND LIMB-GIRDLE MUSCULAR DYSTROPHY; Epidermolysis bullosa simplex with muscular dystrophy. Identifiers: Orphanet 257, MedGen C2931072, MONDO:0009181, OMIM 226670.
Epidermolysis bullosa simplex 5C, with pyloric atresia (EBS5C). Also called: PLEC1-Related Epidermolysis Bullosa with Pyloric Atresia; PLEC-Related Epidermolysis Bullosa with Pyloric Atresia; Epidermolysis bullosa simplex with pyloric atresia. Identifiers: Orphanet 158684, MedGen C2677349, MONDO:0012807, OMIM 612138.

gnomAD v4.1: 34 of 1,609,662 alleles (0.0021%); highest among the groups gnomAD compares: East Asian, 0.0045%; no homozygotes.

Submissions (2):

Revvity Omics, Revvity
Classification: Uncertain significance. Last evaluated: 2024-09-12. Review status: criteria provided, single submitter. Criteria: ACMG Guidelines, 2015. Collection method: clinical testing. Allele origin: germline.

Labcorp Genetics (formerly Invitae), Labcorp
Classification: Uncertain significance for Autosomal recessive limb-girdle muscular dystrophy type 2Q; Epidermolysis bullosa simplex, Ogna type; Epidermolysis bullosa simplex with nail dystrophy; Epidermolysis bullosa simplex 5C, with pyloric atresia; Epidermolysis bullosa simplex 5B, with muscular dystrophy. Last evaluated: 2024-09-03. Review status: criteria provided, single submitter. Criteria: Invitae Variant Classification Sherloc (09022015). Collection method: clinical testing. Allele origin: germline.
Comment: This sequence change replaces arginine, which is basic and polar, with cysteine, which is neutral and slightly polar, at codon 1029 of the PLEC protein (p.Arg1029Cys). This variant is present in population databases (rs782459117, gnomAD 0.007%). This variant has not been reported in the literature in individuals affected with PLEC-related conditions. Invitae Evidence Modeling of protein sequence and biophysical properties (such as structural, functional, and spatial information, amino acid conservation, physicochemical variation, residue mobility, and thermodynamic stability) indicates that this missense variant is not expected to disrupt PLEC protein function with a negative predictive value of 80%. In summary, the available evidence is currently insufficient to determine the role of this variant in disease. Therefore, it has been classified as a Variant of Uncertain Significance.

NM_201384.3(PLEC):c.3004C>T (p.Arg1002Cys)

Gene: PLEC (plectin; minus strand). Cytogenetic location: 8q24.3.
Variant type: single nucleotide variant.
Coding change: c.3004C>T on transcript NM_201384.3 (MANE Select); coding-DNA position 3004, C replaced by T.
Protein change: p.Arg1002Cys; replaces arginine 1002 with cysteine.
Molecular consequence: missense variant.
Genome position (GRCh38, 1-based): chr8:143,929,491, G>A on the plus strand (C>T on the coding strand, the complement: PLEC is on the minus strand). VCF-style: chr8-143929491-G-A. GRCh37 (hg19) VCF-style: chr8-145003659-G-A.
Other names: c.3085C>T, p.Arg1029Cys (NM_000445.5, NM_001410941.1); c.2962C>T, p.Arg988Cys (NM_201378.4); c.2938C>T, p.Arg980Cys (NM_201379.3); c.3415C>T, p.Arg1139Cys (NM_201380.4); c.2908C>T, p.Arg970Cys (NM_201381.3); c.3004C>T, p.Arg1002Cys (NM_201382.4); c.3016C>T, p.Arg1006Cys (NM_201383.3); short protein forms R1002C, R1006C, R1029C, R1139C, R970C, R980C, R988C.
Identifiers: ClinVar variation 3762720 (VCV003762720.3).
Genomic context (GRCh38, chr8:143,929,491, plus strand): 5'-GCTGGGCACACTCCCGTGCCGGCTCTTTGTCCAGCGGCAGCCGCAGGCGGTGCACGGTGC[G>A]CGTCTCACAGGCCTCCAGCTGCAGCCGGATGTCTTTGAGCTCGGAGATGCAGCGCTGGCA-3'
Protein context (NP_958786.1, residues 992-1012): IRLQLEACET[Arg1002Cys]TVHRLRLPLD